The following is an entry in ClinVar:

ClinVar aggregate classification (germline): Uncertain significance (1 of 4 stars; one submission).

gnomAD v4.1: 239 of 1,614,142 alleles (0.015%); highest among the groups gnomAD compares: South Asian, 0.15%; 1 homozygote.

Submission:

Labcorp Genetics (formerly Invitae), Labcorp
Classification: Uncertain significance. Last evaluated: 2024-06-16. Review status: criteria provided, single submitter. Criteria: Invitae Variant Classification Sherloc (09022015). Collection method: clinical testing. Allele origin: germline.
Comment: This sequence change replaces methionine, which is neutral and non-polar, with valine, which is neutral and non-polar, at codon 487 of the TBX18 protein (p.Met487Val). This variant is present in population databases (rs145473026, gnomAD 0.2%), and has an allele count higher than expected for a pathogenic variant. This variant has not been reported in the literature in individuals affected with TBX18-related conditions. An algorithm developed to predict the effect of missense changes on protein structure and function (PolyPhen-2) suggests that this variant is likely to be disruptive. In summary, the available evidence is currently insufficient to determine the role of this variant in disease. Therefore, it has been classified as a Variant of Uncertain Significance.

NM_001080508.3(TBX18):c.1459A>G (p.Met487Val)

Gene: TBX18 (T-box transcription factor 18; minus strand). Cytogenetic location: 6q14.3.
Variant type: single nucleotide variant.
Coding change: c.1459A>G on transcript NM_001080508.3 (MANE Select); coding-DNA position 1459, A replaced by G.
Protein change: p.Met487Val; replaces methionine 487 with valine.
Molecular consequence: missense variant.
Genome position (GRCh38, 1-based): chr6:84,737,050, T>C on the plus strand (A>G on the coding strand, the complement: TBX18 is on the minus strand). VCF-style: chr6-84737050-T-C. GRCh37 (hg19) VCF-style: chr6-85446768-T-C.
Other names: short protein forms M487V.
Identifiers: ClinVar variation 3619813 (VCV003619813.2).